The following is an entry in ClinVar:

NC_000005.9:g.(?_86564269)_(86649072_?)dup

Gene: RASA1 (RAS p21 protein activator 1; plus strand). Cytogenetic location: 5q14.3.
Variant type: Duplication.
Identifiers: ClinVar variation 2424566 (VCV002424566.5).

ClinVar aggregate classification (germline): Uncertain significance (1 of 4 stars; one submission).

Conditions:
Capillary malformation-arteriovenous malformation syndrome. Also called: Capillary malformation-arteriovenous malformation. Identifiers: Orphanet 137667, MedGen C1842180, MONDO:0012016.

Submission:

Labcorp Genetics (formerly Invitae), Labcorp
Classification: Uncertain significance for Capillary malformation-arteriovenous malformation syndrome. Last evaluated: 2022-09-20. Review status: criteria provided, single submitter. Criteria: Invitae Variant Classification Sherloc (09022015). Collection method: clinical testing. Allele origin: germline.
Comment: This variant results in a copy number gain of the genomic region encompassing exon(s) 1-9 of the RASA1 gene. This region includes the initiator codon of the gene. This copy number gain extends beyond the assayed region for this gene and therefore may encompass additional genes. As the precise location of this event is unknown, it may be in tandem or it may be located elsewhere in the genome. This variant has not been reported in the literature in individuals affected with RASA1-related conditions. In summary, the available evidence is currently insufficient to determine the role of this variant in disease. Therefore, it has been classified as a Variant of Uncertain Significance. Experimental studies and prediction algorithms are not available or were not evaluated, and the functional significance of this variant is currently unknown.